The following is an entry in ClinVar:

ClinVar aggregate classification (germline): Pathogenic (1 of 4 stars; one submission).

Conditions:
Pseudo-Hurler polydystrophy. Also called: ML III; ML III ALPHA/BETA; MUCOLIPIDOSIS IIIA; Type III Mucolipidosis; ML IIIA; Mucolipidosis III Alpha/Beta. Identifiers: Orphanet 423461, Orphanet 577, MedGen C0033788, MONDO:0018931, OMIM 252600.
Mucolipidosis type II. Also called: ML II ALPHA/BETA; Mucolipidosis 2; ML 2; Inclusion cell disease; Leroy Disease; N-acetylglucosamine 1phosphotransferase deficiency. Identifiers: Orphanet 576, MedGen C2673377, MONDO:0009650, OMIM 252500.

Submission:

Labcorp Genetics (formerly Invitae), Labcorp
Classification: Pathogenic for Pseudo-Hurler polydystrophy; Mucolipidosis type II. Last evaluated: 2021-10-09. Review status: criteria provided, single submitter. Criteria: Invitae Variant Classification Sherloc (09022015). Collection method: clinical testing. Allele origin: germline.
Comment: This sequence change creates a premature translational stop signal (p.Gln646Profs*9) in the GNPTAB gene. It is expected to result in an absent or disrupted protein product. Loss-of-function variants in GNPTAB are known to be pathogenic (PMID: 19617216, 25107912). This variant is not present in population databases (ExAC no frequency). This variant has not been reported in the literature in individuals affected with GNPTAB-related conditions. For these reasons, this variant has been classified as Pathogenic.

Literature cited by the submitters: PubMed 19617216; PubMed 25107912.

NM_024312.5(GNPTAB):c.1936dup (p.Gln646fs)

Gene: GNPTAB (N-acetylglucosamine-1-phosphate transferase subunits alpha and beta; minus strand). Cytogenetic location: 12q23.2.
Variant type: Duplication.
Coding change: c.1936dup on transcript NM_024312.5 (MANE Select); coding-DNA position 1936, one base duplicated (C; older notation c.1936dupC).
Protein change: p.Gln646fs; shifts the reading frame from glutamine 646.
Molecular consequence: frameshift variant.
Genome position (GRCh38, 1-based): chr12:101,764,981, G duplicated on the plus strand (C on the coding strand, the reverse complement: GNPTAB is on the minus strand); the first of 3 consecutive G bases (chr12:101,764,981-101,764,983); duplicating any one gives the same sequence. VCF-style (leftmost placement, unchanged base first): chr12-101764980-T-TG. GRCh37 (hg19) VCF-style: chr12-102158758-T-TG.
Other names: short protein forms Q646fs.
Identifiers: ClinVar variation 1429731 (VCV001429731.6), dbSNP rs2137117445, ClinGen allele CA2573147951.
Genomic context (GRCh38, chr12:101,764,980, plus strand): 5'-AAAAGGATTTCCGCCTCTGGAAGAAGTGTTATGGGACTAACTAAATTTTCGTAACCCTTC[T>TG]GGGCTGTAGAATTCAGTTTTGGTCCCTCCCTTGTGTCCACCTCCACTGTTATCTGCATTT-3'